The following is an entry in ClinVar:

NM_000138.5(FBN1):c.1885G>A (p.Val629Ile)

Gene: FBN1 (fibrillin 1; minus strand). Cytogenetic location: 15q21.1.
Variant type: single nucleotide variant.
Coding change: c.1885G>A on transcript NM_000138.5 (MANE Select); coding-DNA position 1885, G replaced by A.
Protein change: p.Val629Ile; replaces valine 629 with isoleucine.
Molecular consequence: missense variant.
Genome position (GRCh38, 1-based): chr15:48,505,100, C>T on the plus strand (G>A on the coding strand, the complement: FBN1 is on the minus strand). VCF-style: chr15-48505100-C-T. GRCh37 (hg19) VCF-style: chr15-48797297-C-T.
Other names: short protein forms V629I.
Identifiers: ClinVar variation 1303684 (VCV001303684.12), dbSNP rs140503215, ClinGen allele CA046249.

ClinVar aggregate classification (germline): Conflicting classifications of pathogenicity. Review status: criteria provided, conflicting classifications (1 of 4 stars). 6 submissions from 6 submitters: Uncertain significance (5); Benign (1). Last evaluated 2025-11-21.

Conditions:
Marfan syndrome (MFS). Also called: Marfan syndrome type 1; Marfan's syndrome; FBN1-Related Marfan Syndrome; MARFAN SYNDROME, TYPE I; Marfan syndrome, classic. Identifiers: Orphanet 284963, Orphanet 558, MedGen C0024796, MONDO:0007947, OMIM 154700.
Geleophysic dysplasia 2 (GPHYSD2). Identifiers: Orphanet 2623, MedGen C3280054, MONDO:0013612, OMIM 614185.
Acromicric dysplasia (ACMICD). Also called: Acromicric skeletal dysplasia. Identifiers: Orphanet 969, MedGen C0265287, MONDO:0007055, OMIM 102370.
Weill-Marchesani syndrome 2, dominant. Also called: FBN1-Related Weill-Marchesani Syndrome; Weill-Marchesani Syndrome, Autosomal Dominant. Identifiers: Orphanet 2084, MedGen C1869115, MONDO:0012013, OMIM 608328.
Ectopia lentis 1, isolated, autosomal dominant (ECTOL1). Identifiers: Orphanet 1885, MedGen C3541518, MONDO:0007514, OMIM 129600.
Progeroid and marfanoid aspect-lipodystrophy syndrome. Also called: MARFANOID-PROGEROID-LIPODYSTROPHY SYNDROME; MARFANOID-PROGEROID SYNDROME; MARFAN-PROGEROID-LIPODYSTROPHY SYNDROME; Marfan lipodystrophy syndrome. Identifiers: Orphanet 300382, MedGen C4310796, MONDO:0014831, OMIM 616914.
Stiff skin syndrome (SSKS). Identifiers: Orphanet 2833, MedGen C1861456, MONDO:0008492, OMIM 184900.
MASS syndrome (OCTD). Also called: MASS PHENOTYPE; OVERLAP CONNECTIVE TISSUE DISEASE. Identifiers: MedGen C1858556, MONDO:0011431, OMIM 604308.
Familial thoracic aortic aneurysm and aortic dissection (TAAD). Also called: Thoracic aortic aneurysms and dissections. Identifiers: Orphanet 91387, MedGen C4707243, MONDO:0019625.

Allele frequency attached by ClinVar (database versions not stated): ExAC 0.00001; gnomAD 0.00005 and 0.00004; TOPMed 0.00003; ESP Exome Variant Server 0.00008; 1000 Genomes Project 30x 0.00016.
gnomAD v4.1: 31 of 1,614,146 alleles (0.0019%); highest among the groups gnomAD compares: South Asian, 0.0055%; no homozygotes.

Submissions (6):

Labcorp Genetics (formerly Invitae), Labcorp
Classification: Benign for Marfan syndrome; Familial thoracic aortic aneurysm and aortic dissection. Last evaluated: 2025-11-21. Review status: criteria provided, single submitter. Criteria: Invitae Variant Classification Sherloc (09022015). Collection method: clinical testing. Allele origin: germline.

GeneDx
Classification: Uncertain significance. Last evaluated: 2025-06-06. Review status: criteria provided, single submitter. Criteria: GeneDx Variant Classification Process June 2021. Collection method: clinical testing. Allele origin: germline. Affected: yes.
Comment: Has been reported in an individual with hereditary thoracic aortic disease (H-TAD) (PMID: 29907982); In silico analysis suggests that this missense variant does not alter protein structure/function; Does not affect a cysteine or calcium-binding residue within an EGF-like domain or a TGF-binding protein domain of the FBN1 gene; cysteine substitutions in the EGF-like domains represent the majority of pathogenic missense changes associated with FBN1-related disorders (PMID: 12938084); This variant is associated with the following publications: (PMID: 29907982, 12938084)

Women's Health and Genetics/Laboratory Corporation of America, LabCorp
Classification: Uncertain significance. Last evaluated: 2024-10-28. Review status: criteria provided, single submitter. Criteria: LabCorp Variant Classification Summary - May 2015. Collection method: clinical testing. Allele origin: germline.
Comment: Variant summary: FBN1 c.1885G>A (p.Val629Ile) results in a conservative amino acid change located in the EGF-like domain (IPR000742) of the encoded protein sequence. Four of five in-silico tools predict a benign effect of the variant on protein function. The variant allele was found at a frequency of 1.6e-05 in 251446 control chromosomes. The available data on variant occurrences in the general population are insufficient to allow any conclusion about variant significance. c.1885G>A has been reported in the literature in individuals affected with Thoracic aortic disorder (Overwater_2018). These report(s) do not provide unequivocal conclusions about association of the variant with Marfan Syndrome. To our knowledge, no experimental evidence demonstrating an impact on protein function has been reported. The following publication have been ascertained in the context of this evaluation (PMID: 29907982). ClinVar contains an entry for this variant (Variation ID: 1303684). Based on the evidence outlined above, the variant was classified as uncertain significance.

Color Diagnostics, LLC DBA Color Health
Classification: Uncertain significance for Familial thoracic aortic aneurysm and aortic dissection. Last evaluated: 2024-04-24. Review status: criteria provided, single submitter. Criteria: ACMG Guidelines, 2015. Collection method: clinical testing. Allele origin: germline.
Comment: This missense variant replaces valine with isoleucine at codon 629 of the FBN1 protein. Computational prediction tools indicate that this variant has a neutral impact on protein structure and function. To our knowledge, functional studies have not been reported for this variant. This variant has been reported in one individual affected with thoracic aortic aneurysm and aortic dissection (PMID: 29907982). This variant has been identified in 6/282846 chromosomes in the general population by the Genome Aggregation Database (gnomAD). The available evidence is insufficient to determine the role of this variant in disease conclusively. Therefore, this variant is classified as a Variant of Uncertain Significance.

All of Us Research Program, National Institutes of Health
Classification: Uncertain significance for Marfan syndrome. Last evaluated: 2023-12-01. Review status: criteria provided, single submitter. Criteria: ACMG Guidelines, 2015. Collection method: clinical testing. Allele origin: germline. Inheritance: Autosomal dominant inheritance. Observed: 3 variant alleles, 3 heterozygotes.
Comment: This study involves interpretation of variants in research participants for the purpose of population health screening. Participant phenotype was not available at the time of variant classification. Additional details can be found in publication PMID: 35346344, PMCID: PMC8962531

Fulgent Genetics
Classification: Uncertain significance for Acromicric dysplasia; Ectopia lentis 1, isolated, autosomal dominant; Marfan syndrome; Stiff skin syndrome; MASS syndrome; Weill-Marchesani syndrome 2, dominant; Geleophysic dysplasia 2; Progeroid and marfanoid aspect-lipodystrophy syndrome. Last evaluated: 2021-09-07. Review status: criteria provided, single submitter. Criteria: ACMG Guidelines, 2015. Collection method: clinical testing. Allele origin: unknown.

Literature cited by the submitters: PubMed 29907982 (cited by Women's Health and Genetics/Laboratory Corporation of America, LabCorp and Color Diagnostics, LLC DBA Color Health).